The following is an entry in ClinVar:

NM_020975.6(RET):c.324G>C (p.Lys108Asn)

Gene: RET (ret proto-oncogene; plus strand). Cytogenetic location: 10q11.21.
Variant type: single nucleotide variant.
Coding change: c.324G>C on transcript NM_020975.6 (MANE Select); coding-DNA position 324, G replaced by C.
Protein change: p.Lys108Asn; replaces lysine 108 with asparagine.
Molecular consequence: missense variant.
Genome position (GRCh38, 1-based): chr10:43,100,709, G>C. VCF-style: chr10-43100709-G-C. GRCh37 (hg19) VCF-style: chr10-43596157-G-C.
Other names: c.324G>C, p.Lys108Asn (NM_000323.2, NM_001406743.1, NM_001406744.1 and 34 more transcripts); short protein forms K108N.
Identifiers: ClinVar variation 1006705 (VCV001006705.12), dbSNP rs775974393, ClinGen allele CA043105.

ClinVar aggregate classification (germline): Uncertain significance. Review status: criteria provided, multiple submitters, no conflicts (2 of 4 stars). 3 submissions from 3 submitters: Uncertain significance (3). Last evaluated 2025-06-16.

Conditions:
Hereditary cancer-predisposing syndrome. Also called: Hereditary neoplastic syndrome; Neoplastic Syndromes, Hereditary; Tumor predisposition; Hereditary Cancer Syndrome. Identifiers: Orphanet 140162, MedGen C0027672, MeSH D009386, MONDO:0015356.
Multiple endocrine neoplasia, type 2 (MEN2). Identifiers: Orphanet 653, MedGen C4048306, MONDO:0019003. Disease mechanism: gain of function.

Allele frequency attached by ClinVar (database versions not stated): gnomAD exomes below 0.00001; TOPMed below 0.00001; ExAC 0.00001; gnomAD 0.00001.

Submissions (3):

Ambry Genetics
Classification: Uncertain significance for Hereditary cancer-predisposing syndrome. Last evaluated: 2025-06-16. Review status: criteria provided, single submitter. Criteria: Ambry Variant Classification Scheme 2023. Collection method: clinical testing. Allele origin: germline.
Comment: The p.K108N variant (also known as c.324G>C), located in coding exon 2 of the RET gene, results from a G to C substitution at nucleotide position 324. The lysine at codon 108 is replaced by asparagine, an amino acid with similar properties. This amino acid position is not well conserved in available vertebrate species. In addition, this alteration is predicted to be tolerated by in silico analysis. Since supporting evidence is limited at this time, the clinical significance of this alteration remains unclear.

Color Diagnostics, LLC DBA Color Health
Classification: Uncertain significance for Multiple endocrine neoplasia, type 2. Last evaluated: 2025-06-09. Review status: criteria provided, single submitter. Criteria: ACMG Guidelines, 2015. Collection method: clinical testing. Allele origin: germline.
Comment: This missense variant replaces lysine with asparagine at codon 108 of the RET protein. Computational prediction suggests that this variant may not impact protein structure and function. To our knowledge, functional studies have not been reported for this variant. This variant has not been reported in individuals affected with RET-related disorders in the literature. This variant has been identified in 1/223980 chromosomes in the general population by the Genome Aggregation Database (gnomAD). The available evidence is insufficient to determine the role of this variant in disease conclusively. Therefore, this variant is classified as a Variant of Uncertain Significance.

Labcorp Genetics (formerly Invitae), Labcorp
Classification: Uncertain significance for Multiple endocrine neoplasia, type 2. Last evaluated: 2024-01-11. Review status: criteria provided, single submitter. Criteria: Invitae Variant Classification Sherloc (09022015). Collection method: clinical testing. Allele origin: germline.
Comment: This sequence change replaces lysine, which is basic and polar, with asparagine, which is neutral and polar, at codon 108 of the RET protein (p.Lys108Asn). The frequency data for this variant in the population databases is considered unreliable, as metrics indicate poor data quality at this position in the gnomAD database. This variant has not been reported in the literature in individuals affected with RET-related conditions. ClinVar contains an entry for this variant (Variation ID: 1006705). An algorithm developed to predict the effect of missense changes on protein structure and function (PolyPhen-2) suggests that this variant is likely to be tolerated. In summary, the available evidence is currently insufficient to determine the role of this variant in disease. Therefore, it has been classified as a Variant of Uncertain Significance.